The following is an entry in ClinVar:

NM_138295.5(PKD1L1):c.4204C>G (p.Gln1402Glu)

Gene: PKD1L1 (polycystin 1 like 1, transient receptor potential channel interacting; minus strand). Cytogenetic location: 7p12.3.
Variant type: single nucleotide variant.
Coding change: c.4204C>G on transcript NM_138295.5 (MANE Select); coding-DNA position 4204, C replaced by G.
Protein change: p.Gln1402Glu; replaces glutamine 1402 with glutamic acid.
Molecular consequence: missense variant.
Genome position (GRCh38, 1-based): chr7:47,858,831, G>C on the plus strand (C>G on the coding strand, the complement: PKD1L1 is on the minus strand). VCF-style: chr7-47858831-G-C. GRCh37 (hg19) VCF-style: chr7-47898429-G-C.
Other names: short protein forms Q1402E.
Identifiers: ClinVar variation 2285024 (VCV002285024.3), dbSNP rs749103059, ClinGen allele CA4253174.
Genomic context (GRCh38, chr7:47,858,831, plus strand): 5'-GACCGATGAGCTCAAGCCTCACTCCTTTGTCAATCACAAATGGCCCCGAGAACTGGCCTT[G>C]AGCAAGGAGTGCCCGGGTGTACTTGAGGATGAGAACCGCACTCATAAAGCCTAGCTGCAT-3'
Protein context (NP_612152.1, residues 1392-1412): ILKYTRALLA[Gln1402Glu]GQFSGPFVID

ClinVar aggregate classification (germline): Uncertain significance. Review status: criteria provided, single submitter (1 of 4 stars). 2 submissions from 2 submitters: Uncertain significance (1). 1 of the submissions does not count toward it. Last evaluated 2022-04-22.

Conditions:
Inborn genetic diseases. Identifiers: MedGen C0950123, MeSH D030342.
PKD1L1-related disorder. Also called: PKD1L1-related condition.

Allele frequency attached by ClinVar (database versions not stated): ExAC 0.00001.
gnomAD v4.1: 1 of 1,614,094 alleles (0.000062%); no homozygotes.

Submissions (2):

Ambry Genetics
Classification: Uncertain significance for Inborn genetic diseases. Last evaluated: 2022-04-22. Review status: criteria provided, single submitter. Criteria: Ambry Variant Classification Scheme 2023. Collection method: clinical testing. Allele origin: germline.

PreventionGenetics, part of Exact Sciences
Classification: Uncertain significance for PKD1L1-related condition. Last evaluated: 2024-03-21. Review status: no assertion criteria provided. Collection method: clinical testing. Allele origin: germline. Not counted in ClinVar's aggregate classification.
Comment: The PKD1L1 c.4204C>G variant is predicted to result in the amino acid substitution p.Gln1402Glu. To our knowledge, this variant has not been reported in the literature or in a large population database, indicating this variant is rare. At this time, the clinical significance of this variant is uncertain due to the absence of conclusive functional and genetic evidence.